The following is an entry in ClinVar:

NM_006950.3(SYN1):c.1646C>T (p.Pro549Leu)

Gene: SYN1 (synapsin I; minus strand). Cytogenetic location: Xp11.3.
Variant type: single nucleotide variant.
Coding change: c.1646C>T on transcript NM_006950.3 (MANE Select); coding-DNA position 1646, C replaced by T.
Protein change: p.Pro549Leu; replaces proline 549 with leucine.
Molecular consequence: missense variant.
Genome position (GRCh38, 1-based): chrX:47,574,338, G>A on the plus strand (C>T on the coding strand, the complement: SYN1 is on the minus strand). VCF-style: chrX-47574338-G-A. GRCh37 (hg19) VCF-style: chrX-47433737-G-A.
Other names: c.1646C>T, p.Pro549Leu (NM_133499.2); short protein forms P549L.
Identifiers: ClinVar variation 2734147 (VCV002734147.3), dbSNP rs2519684845, ClinGen allele CA412823025.

ClinVar aggregate classification (germline): Uncertain significance (1 of 4 stars; one submission).

Conditions:
Epilepsy, X-linked 1, with variable learning disabilities and behavior disorders. Also called: X-linked epilepsy-learning disabilities-behavior disorders syndrome. Identifiers: Orphanet 85294, MedGen C5774177, MONDO:0010339, OMIM 300491.

Allele frequency attached by ClinVar (database versions not stated): gnomAD exomes below 0.00001.
gnomAD v4.1: 1 of 1,048,110 alleles (0.000095%); highest among the groups gnomAD compares: Non-Finnish European, 0.00012%; no homozygotes.

Submission:

Labcorp Genetics (formerly Invitae), Labcorp
Classification: Uncertain significance for Epilepsy, X-linked 1, with variable learning disabilities and behavior disorders. Last evaluated: 2023-11-14. Review status: criteria provided, single submitter. Criteria: Invitae Variant Classification Sherloc (09022015). Collection method: clinical testing. Allele origin: germline.
Comment: This sequence change replaces proline, which is neutral and non-polar, with leucine, which is neutral and non-polar, at codon 549 of the SYN1 protein (p.Pro549Leu). The frequency data for this variant in the population databases is considered unreliable, as metrics indicate insufficient coverage at this position in the gnomAD database. This variant has not been reported in the literature in individuals affected with SYN1-related conditions. Experimental studies and prediction algorithms are not available or were not evaluated, and the functional significance of this variant is currently unknown. In summary, the available evidence is currently insufficient to determine the role of this variant in disease. Therefore, it has been classified as a Variant of Uncertain Significance.